The following is an entry in ClinVar:

NM_004092.4(ECHS1):c.286+4C>T

Gene: ECHS1 (enoyl-CoA hydratase, short chain 1; minus strand). Cytogenetic location: 10q26.3.
Variant type: single nucleotide variant.
Coding change: c.286+4C>T on transcript NM_004092.4 (MANE Select); 4 bases into the intron after coding-DNA position 286, C replaced by T.
Molecular consequence: intron variant.
Genome position (GRCh38, 1-based): chr10:133,370,556, G>A on the plus strand (C>T on the coding strand, the complement: ECHS1 is on the minus strand). VCF-style: chr10-133370556-G-A. GRCh37 (hg19) VCF-style: chr10-135184060-G-A.
Other names: c.286+4C>T (NM_004092.3).
Identifiers: ClinVar variation 1203525 (VCV001203525.11), dbSNP rs181328051, ClinGen allele CA5765832.

ClinVar aggregate classification (germline): Conflicting classifications of pathogenicity. Review status: criteria provided, conflicting classifications (1 of 4 stars). 5 submissions from 5 submitters: Uncertain significance (2); Likely benign (2). 1 of the submissions does not count toward it. Last evaluated 2025-10-21.

Conditions:
ECHS1-related disorder. Also called: ECHS1-related condition.
Mitochondrial short-chain Enoyl-Coa hydratase 1 deficiency. Also called: PxMD-ECHS1; ECHS1 deficiency; Mitochondrial Short-Chain Enoyl-CoA Hydratase Deficiency. Identifiers: Orphanet 255241, Orphanet 653880, MedGen C4225391, MONDO:0014563, OMIM 616277.

Allele frequency attached by ClinVar (database versions not stated): gnomAD 0.00004; TOPMed 0.00005; 1000 Genomes Project 30x 0.00031.
gnomAD v4.1: 127 of 1,556,598 alleles (0.0082%); highest among the groups gnomAD compares: Admixed American, 0.038%; no homozygotes.

Submissions (5):

Labcorp Genetics (formerly Invitae), Labcorp
Classification: Uncertain significance. Last evaluated: 2025-10-21. Review status: criteria provided, single submitter. Criteria: Invitae Variant Classification Sherloc (09022015). Collection method: clinical testing. Allele origin: germline.
Comment: This sequence change falls in intron 2 of the ECHS1 gene. It does not directly change the encoded amino acid sequence of the ECHS1 protein. It affects a nucleotide within the consensus splice site. This variant is present in population databases (rs181328051, gnomAD 0.05%). This variant has not been reported in the literature in individuals affected with ECHS1-related conditions. ClinVar contains an entry for this variant (Variation ID: 1203525). Variants that disrupt the consensus splice site are a relatively common cause of aberrant splicing (PMID: 17576681, 9536098). Algorithms developed to predict the effect of sequence changes on RNA splicing suggest that this variant is not likely to affect RNA splicing. In summary, the available evidence is currently insufficient to determine the role of this variant in disease. Therefore, it has been classified as a Variant of Uncertain Significance.

ARUP Laboratories, Molecular Genetics and Genomics, ARUP Laboratories
Classification: Uncertain significance for Mitochondrial short-chain Enoyl-Coa hydratase 1 deficiency. Last evaluated: 2025-04-03. Review status: criteria provided, single submitter. Criteria: ARUP Molecular Germline Variant Investigation Process 2024. Collection method: clinical testing. Allele origin: germline.
Comment: The ECHS1 c.286+4C>T variant (rs181328051), to our knowledge, is not reported in the medical literature but is reported in ClinVar (Variation ID: 1203525). This variant is found in the general population with an overall allele frequency of 0.01% (21/217792 alleles) in the Genome Aggregation Database (v2.1.1). This is an intronic variant and computational analyses (Alamut Visual Plus v.1.12) predict that this variant does not alter splicing. However, since this variant is located within the minimal splice region, the clinical significance of this variant is uncertain at this time.

Blueprint Genetics
Classification: Likely benign. Last evaluated: 2024-07-16. Review status: criteria provided, single submitter. Criteria: ACMG Guidelines, 2015. Collection method: clinical testing. Allele origin: germline.

GeneDx
Classification: Likely benign. Last evaluated: 2019-12-17. Review status: criteria provided, single submitter. Criteria: GeneDx Variant Classification Process June 2021. Collection method: clinical testing. Allele origin: germline. Affected: yes.

PreventionGenetics, part of Exact Sciences
Classification: Likely benign for ECHS1-related condition. Last evaluated: 2019-03-25. Review status: no assertion criteria provided. Collection method: clinical testing. Allele origin: germline. Not counted in ClinVar's aggregate classification.
Comment: This variant is classified as likely benign based on ACMG/AMP sequence variant interpretation guidelines (Richards et al. 2015 PMID: 25741868, with internal and published modifications).

Literature cited by the submitters: PubMed 17576681 (cited by Labcorp Genetics (formerly Invitae), Labcorp); PubMed 9536098 (cited by Labcorp Genetics (formerly Invitae), Labcorp).